The following is an entry in ClinVar:

NM_000166.6(GJB1):c.100A>G (p.Met34Val)

Gene: GJB1 (gap junction protein beta 1; plus strand). Cytogenetic location: Xq13.1.
Variant type: single nucleotide variant.
Coding change: c.100A>G on transcript NM_000166.6 (MANE Select); coding-DNA position 100, A replaced by G.
Protein change: p.Met34Val; replaces methionine 34 with valine.
Molecular consequence: missense variant.
Genome position (GRCh38, 1-based): chrX:71,223,807, A>G. VCF-style: chrX-71223807-A-G. GRCh37 (hg19) VCF-style: chrX-70443657-A-G.
Other names: c.100A>G, p.Met34Val (NM_001097642.3); short protein forms M34V.
Identifiers: ClinVar variation 565409 (VCV000565409.47), dbSNP rs1569215061, ClinGen allele CA413500925.

ClinVar aggregate classification (germline): Pathogenic. Review status: criteria provided, multiple submitters, no conflicts (2 of 4 stars). 3 submissions from 3 submitters: Pathogenic (2). 1 of the submissions does not count toward it. Last evaluated 2022-08-10.

Conditions:
Charcot-Marie-Tooth Neuropathy X. Identifiers: MedGen CN118851.
Charcot-Marie-Tooth disease. Also called: Charcot-Marie-Tooth Hereditary Neuropathy; Charcot-Marie-Tooth Neuropathy. Identifiers: Orphanet 166, MedGen C0007959, MONDO:0015626.

Submissions (3):

Labcorp Genetics (formerly Invitae), Labcorp
Classification: Pathogenic for Charcot-Marie-Tooth Neuropathy X. Last evaluated: 2022-08-10. Review status: criteria provided, single submitter. Criteria: Invitae Variant Classification Sherloc (09022015). Collection method: clinical testing. Allele origin: germline.
Comment: For these reasons, this variant has been classified as Pathogenic. This variant disrupts the p.Met34 amino acid residue in GJB1. Other variant(s) that disrupt this residue have been determined to be pathogenic (PMID: 8829637, 9361298, 12460545). This suggests that this residue is clinically significant, and that variants that disrupt this residue are likely to be disease-causing. Experimental studies have shown that this missense change affects GJB1 function (PMID: 12460545). Algorithms developed to predict the effect of missense changes on protein structure and function are either unavailable or do not agree on the potential impact of this missense change (SIFT: "Deleterious"; PolyPhen-2: "Benign"; Align-GVGD: "Class C0"). ClinVar contains an entry for this variant (Variation ID: 565409). This missense change has been observed in individuals with X-linked Charcot-Marie-Tooth disease (PMID: 9018031, 11571214). It has also been observed to segregate with disease in related individuals. This variant is not present in population databases (gnomAD no frequency). This sequence change replaces methionine, which is neutral and non-polar, with valine, which is neutral and non-polar, at codon 34 of the GJB1 protein (p.Met34Val).

CeGaT Center for Human Genetics Tuebingen
Classification: Pathogenic. Last evaluated: 2020-03-01. Review status: criteria provided, single submitter. Criteria: CeGaT Center For Human Genetics Tuebingen Variant Classification Criteria Version 2. Collection method: clinical testing. Allele origin: germline. Affected: yes. Observed: 1 variant allele.

Inherited Neuropathy Consortium
Classification: Uncertain significance for Charcot-Marie-Tooth disease. Review status: no assertion criteria provided. Collection method: literature only. Allele origin: germline. Affected: yes. Not counted in ClinVar's aggregate classification.

Literature cited by the submitters: PubMed 8829637 (cited by Labcorp Genetics (formerly Invitae), Labcorp); PubMed 9361298 (cited by Labcorp Genetics (formerly Invitae), Labcorp); PubMed 12460545 (cited by Labcorp Genetics (formerly Invitae), Labcorp); PubMed 9018031 (cited by Labcorp Genetics (formerly Invitae), Labcorp and Inherited Neuropathy Consortium); PubMed 11571214 (cited by Labcorp Genetics (formerly Invitae), Labcorp).